The following is an entry in ClinVar:

ClinVar aggregate classification (germline): Likely pathogenic (1 of 4 stars; one submission).

Conditions:
Mitochondrial complex 2 deficiency, nuclear type 2. Also called: MITOCHONDRIAL COMPLEX II DEFICIENCY, NUCLEAR TYPE 2. Identifiers: MedGen C5436933, MONDO:0030935, OMIM 619166.

Allele frequency attached by ClinVar (database versions not stated): gnomAD exomes below 0.00001.
gnomAD v4.1: 1 of 1,555,130 alleles (0.000064%); highest among the groups gnomAD compares: Non-Finnish European, 0.000086%; no homozygotes.

Submission:

Institute of Human Genetics, University of Leipzig Medical Center
Classification: Likely pathogenic for Mitochondrial complex 2 deficiency, nuclear type 2. Last evaluated: 2023-12-19. Review status: criteria provided, single submitter. Criteria: ACMG Guidelines, 2015. Collection method: clinical testing. Allele origin: unknown. Inheritance: Autosomal recessive inheritance. Affected: yes.
Comment: Criteria applied: PM1,PM2_SUP,PM3_SUP,PP3,PP4

NM_001042631.3(SDHAF1):c.95T>A (p.Val32Glu)

Genes: SDHAF1 (succinate dehydrogenase complex assembly factor 1; plus strand), LOC130064279 (ATAC-STARR-seq lymphoblastoid active region 14513; plus strand). Cytogenetic location: 19q13.12.
Variant type: single nucleotide variant.
Coding change: c.95T>A on transcript NM_001042631.3 (MANE Select); coding-DNA position 95, T replaced by A.
Protein change: p.Val32Glu; replaces valine 32 with glutamic acid.
Molecular consequence: missense variant.
Genome position (GRCh38, 1-based): chr19:35,995,369, T>A. VCF-style: chr19-35995369-T-A. GRCh37 (hg19) VCF-style: chr19-36486271-T-A.
Other names: short protein forms V32E.
Identifiers: ClinVar variation 2691857 (VCV002691857.2), dbSNP rs2514019854, ClinGen allele CA405423335.